The following is an entry in ClinVar:

ClinVar aggregate classification (germline): Uncertain significance (1 of 4 stars; one submission).

Conditions:
Popliteal pterygium syndrome (PPS). Identifiers: Orphanet 294963, MedGen C0265259, MONDO:0017435.

Submission:

Genetics and Molecular Pathology, SA Pathology
Classification: Uncertain significance for Popliteal pterygium syndrome. Last evaluated: 2021-05-03. Review status: criteria provided, single submitter. Criteria: ACMG Guidelines, 2015. Collection method: clinical testing. Allele origin: germline. Inheritance: Autosomal dominant inheritance. Affected: yes.
Comment: The IRF6 c. 299C>G variant is classified as a VARIANT OF UNCERTAIN SIGNIFICANCE (PM2, PM5, PP3) This variant is a single nucleotide change from a cytosine to a guanine at position 299 which is predicted to change the Threonine at position 100 in the protein to Serine. The variant is in exon 4 and is located in IRF DNA-binding domain of the IRF6 gene. The variant has not been reported in dbSNP and is absent from population databases (PM2). The variant has not been reported in the ClinVar or HGMD disease databases. This is a noval missense change at an amino acid residue where two different missense changes (p.T100A & p.T100I) classified as pathogenic have been previously reported in HGMD (PM5). Computational predictions support the a deleterious effect on the gene or gene product (PP3).

NM_006147.4(IRF6):c.299C>G (p.Thr100Ser)

Gene: IRF6 (interferon regulatory factor 6; minus strand). Cytogenetic location: 1q32.2.
Variant type: single nucleotide variant.
Coding change: c.299C>G on transcript NM_006147.4 (MANE Select); coding-DNA position 299, C replaced by G.
Protein change: p.Thr100Ser; replaces threonine 100 with serine.
Molecular consequence: missense variant.
Genome position (GRCh38, 1-based): chr1:209,796,428, G>C on the plus strand (C>G on the coding strand, the complement: IRF6 is on the minus strand). VCF-style: chr1-209796428-G-C. GRCh37 (hg19) VCF-style: chr1-209969773-G-C.
Other names: c.14C>G, p.Thr5Ser (NM_001206696.2); short protein forms T100S, T5S.
Identifiers: ClinVar variation 1803203 (VCV001803203.1), dbSNP rs2464683523, ClinGen allele CA344583062.